The following is an entry in ClinVar:

ClinVar aggregate classification (germline): Benign (1 of 4 stars; one submission).

Allele frequency attached by ClinVar (database versions not stated): 1000 Genomes Project 0.20447; 1000 Genomes Project 30x 0.20659; TOPMed 0.22823; gnomAD 0.23891 and 0.24405.
gnomAD v4.1: 36,328 of 152,068 alleles (24%); highest among the groups gnomAD compares: Non-Finnish European, 26%; 4,405 homozygotes.

Submission:

GeneDx
Classification: Benign. Last evaluated: 2018-06-19. Review status: criteria provided, single submitter. Criteria: GeneDx Variant Classification (06012015). Collection method: clinical testing. Allele origin: germline. Affected: yes.
Comment: This variant is considered likely benign or benign based on one or more of the following criteria: it is a conservative change, it occurs at a poorly conserved position in the protein, it is predicted to be benign by multiple in silico algorithms, and/or has population frequency not consistent with disease.

NM_147127.5(EVC2):c.283+223C>T

Gene: EVC2 (EvC ciliary complex subunit 2; minus strand). Cytogenetic location: 4p16.2.
Variant type: single nucleotide variant.
Coding change: c.283+223C>T on transcript NM_147127.5 (MANE Select); 223 bases into the intron after coding-DNA position 283, C replaced by T.
Molecular consequence: intron variant.
Genome position (GRCh38, 1-based): chr4:5,697,370, G>A on the plus strand (C>T on the coding strand, the complement: EVC2 is on the minus strand). VCF-style: chr4-5697370-G-A. GRCh37 (hg19) VCF-style: chr4-5699097-G-A.
Other names: c.43+223C>T (NM_001166136.2).
Identifiers: ClinVar variation 669975 (VCV000669975.1), dbSNP rs13126806, ClinGen allele CA11744152.
Genomic context (GRCh38, chr4:5,697,370, plus strand): 5'-ACCCATTTAATTCACACGTTCTGTTTCATTCACCAAATGCCTTCAGGGGATATCAAAAAG[G>A]GCCTACCTCACCCTAGGTTCCACTGTGCACTAACGCTTCGGCCAGCTTTGAGGTGGAGGT-3'